The following is an entry in ClinVar:

ClinVar aggregate classification (germline): Uncertain significance. Review status: criteria provided, multiple submitters, no conflicts (2 of 4 stars). 2 submissions from 2 submitters: Uncertain significance (2). Last evaluated 2026-04-23.

Conditions:
SPTLC1-related disorder. Also called: SPTLC1-related condition.
Inborn genetic diseases. Identifiers: MedGen C0950123, MeSH D030342.

gnomAD v4.1: 1 of 1,614,024 alleles (0.000062%); highest among the groups gnomAD compares: Non-Finnish European, 0.000085%; no homozygotes.

Submissions (2):

PreventionGenetics, part of Exact Sciences
Classification: Uncertain significance for SPTLC1-related condition. Last evaluated: 2026-04-23. Review status: criteria provided, single submitter. Criteria: ACMG Guidelines, 2015. Collection method: clinical testing. Allele origin: germline.
Comment: The SPTLC1 c.1055C>G variant is predicted to result in the amino acid substitution p.Ala352Gly. To our knowledge, this variant has not been reported in the literature or in a large population database (gnomAD), indicating this variant is rare. An alternate nucleotide change at the same genomic position (c.1055C>T, p.Ala352Val) has been reported in an individual with hereditary sensory and autonomic neuropathies (Rotthier et al. 2009. PubMed ID: 19651702; Rotthier et al. 2011. PubMed ID: 21618344). At this time, the clinical significance of this variant c.1055C>G (p.Ala352Gly) is uncertain due to the absence of conclusive functional and genetic evidence.

Ambry Genetics
Classification: Uncertain significance for Inborn genetic diseases. Last evaluated: 2025-01-16. Review status: criteria provided, single submitter. Criteria: Ambry Variant Classification Scheme 2023. Collection method: clinical testing. Allele origin: germline.

NM_006415.4(SPTLC1):c.1055C>G (p.Ala352Gly)

Gene: SPTLC1 (serine palmitoyltransferase long chain base subunit 1; minus strand). Cytogenetic location: 9q22.31.
Variant type: single nucleotide variant.
Coding change: c.1055C>G on transcript NM_006415.4 (MANE Select); coding-DNA position 1055, C replaced by G.
Protein change: p.Ala352Gly; replaces alanine 352 with glycine.
Molecular consequence: missense variant.
Genome position (GRCh38, 1-based): chr9:92,047,198, G>C on the plus strand (C>G on the coding strand, the complement: SPTLC1 is on the minus strand). VCF-style: chr9-92047198-G-C. GRCh37 (hg19) VCF-style: chr9-94809480-G-C.
Other names: c.1055C>G, p.Ala352Gly (NM_001281303.2); c.689C>G, p.Ala230Gly (NM_001368272.1); c.590C>G, p.Ala197Gly (NM_001368273.1); c.1055C>G (NM_006415.3); short protein forms A197G, A352G, A230G.
Identifiers: ClinVar variation 3801187 (VCV003801187.2).